The following is an entry in ClinVar:

NM_170707.4(LMNA):c.82C>T (p.Arg28Trp)

Genes: LMNA (lamin A/C; plus strand), LOC129931597 (ATAC-STARR-seq lymphoblastoid silent region 1421; plus strand). Cytogenetic location: 1q22.
Variant type: single nucleotide variant.
Coding change: c.82C>T on transcript NM_170707.4 (MANE Select); coding-DNA position 82, C replaced by T.
Protein change: p.Arg28Trp; replaces arginine 28 with tryptophan.
Molecular consequence: missense variant.
Genome position (GRCh38, 1-based): chr1:156,115,000, C>T. VCF-style: chr1-156115000-C-T. GRCh37 (hg19) VCF-style: chr1-156084791-C-T.
Other names: c.82C>T, p.Arg28Trp (NM_001282625.2, NM_001282626.2, NM_005572.4 and 1 more transcripts); short protein forms R28W.
Identifiers: ClinVar variation 66946 (VCV000066946.10), dbSNP rs59914820, ClinGen allele CA018743.

ClinVar aggregate classification (germline): Pathogenic/Likely pathogenic. Review status: criteria provided, multiple submitters, no conflicts (2 of 4 stars). 3 submissions from 3 submitters: Pathogenic (1); Likely pathogenic (1). 1 of the submissions does not count toward it. Last evaluated 2025-12-08.

Conditions:
Cardiovascular phenotype. Identifiers: MedGen CN230736.
Charcot-Marie-Tooth disease type 2. Also called: Charcot-Marie-Tooth type 2. Identifiers: Orphanet 64746, MedGen C0270914, MONDO:0018993.

Allele frequency attached by ClinVar (database versions not stated): gnomAD exomes below 0.00001.
gnomAD v4.1: 1 of 1,600,254 alleles (0.000062%); highest among the groups gnomAD compares: Non-Finnish European, 0.000085%; no homozygotes.

Submissions (3):

Labcorp Genetics (formerly Invitae), Labcorp
Classification: Pathogenic for Charcot-Marie-Tooth disease type 2. Last evaluated: 2025-12-08. Review status: criteria provided, single submitter. Criteria: Invitae Variant Classification Sherloc (09022015). Collection method: clinical testing. Allele origin: germline.
Comment: This sequence change replaces arginine, which is basic and polar, with tryptophan, which is neutral and slightly polar, at codon 28 of the LMNA protein (p.Arg28Trp). This variant is not present in population databases (gnomAD no frequency). This missense change has been observed in individual(s) with autosomal dominant LMNA-related lipodystrophy conditions (PMID: 12015247, 17711925, 21520333). It has also been observed to segregate with disease in related individuals. ClinVar contains an entry for this variant (Variation ID: 66946). Invitae Evidence Modeling of protein sequence and biophysical properties (such as structural, functional, and spatial information, amino acid conservation, physicochemical variation, residue mobility, and thermodynamic stability) indicates that this missense variant is expected to disrupt LMNA protein function with a positive predictive value of 95%. For these reasons, this variant has been classified as Pathogenic.

Ambry Genetics
Classification: Likely pathogenic for Cardiovascular phenotype. Last evaluated: 2025-10-24. Review status: criteria provided, single submitter. Criteria: Ambry Variant Classification Scheme 2023. Collection method: clinical testing. Allele origin: germline.
Comment: The p.R28W variant (also known as c.82C>T), located in coding exon 1 of the LMNA gene, results from a C to T substitution at nucleotide position 82. The arginine at codon 28 is replaced by tryptophan, an amino acid with dissimilar properties. This variant was identified in one or more individuals with features consistent with LMNA-related laminopathy and segregated with disease in at least one family (Garg A et al. Am J Med, 2002 May;112:549-55; Decaudain A et al. J Clin Endocrinol Metab, 2007 Dec;92:4835-44; T&uuml;rk M et al. Neuromuscul Disord, 2013 Jul;23:587-90). This amino acid position is highly conserved in available vertebrate species. In addition, this alteration is predicted to be deleterious by in silico analysis. Based on the majority of available evidence to date, this variant is likely to be pathogenic.

Epithelial Biology;  Institute of Medical Biology, Singapore
No classification provided. Review status: no classification provided. Collection method: not provided. Allele origin: not provided. Not counted in ClinVar's aggregate classification.

Literature cited by the submitters: PubMed 12015247 (cited by Labcorp Genetics (formerly Invitae), Labcorp and Ambry Genetics); PubMed 17711925 (cited by Labcorp Genetics (formerly Invitae), Labcorp and Ambry Genetics); PubMed 21520333 (cited by Labcorp Genetics (formerly Invitae), Labcorp); PubMed 23746545 (cited by Ambry Genetics).